The following is an entry in ClinVar:

NM_014043.4(CHMP2B):c.34+6T>C

Gene: CHMP2B (charged multivesicular body protein 2B; plus strand). Cytogenetic location: 3p11.2.
Variant type: single nucleotide variant.
Coding change: c.34+6T>C on transcript NM_014043.4 (MANE Select); 6 bases into the intron after coding-DNA position 34, T replaced by C.
Molecular consequence: intron variant.
Genome position (GRCh38, 1-based): chr3:87,227,562, T>C. VCF-style: chr3-87227562-T-C. GRCh37 (hg19) VCF-style: chr3-87276712-T-C.
Other names: c.3+6T>C (NM_001410777.1, NM_001244644.2).
Identifiers: ClinVar variation 2947789 (VCV002947789.3), dbSNP rs2471740942, ClinGen allele CA2740094544.
Genomic context (GRCh38, chr3:87,227,562, plus strand): 5'-GCCCGGGCGCAGTCTTTAACCATGGCGTCCCTCTTCAAGAAGAAAACCGTGGATGGTGAG[T>C]TCCAGGCCGGGCTGAAGGGGCCCAGCTCTGCGTTTTCTCGGCGTCTTTCGAGGCCTGCTG-3'

ClinVar aggregate classification (germline): Uncertain significance (1 of 4 stars; one submission).

Conditions:
Frontotemporal dementia and/or amyotrophic lateral sclerosis 7 (FTDALS7). Also called: CHMP2B-related frontotemporal dementia; AMYOTROPHIC LATERAL SCLEROSIS, CHMP2B-RELATED; Amyotrophic lateral sclerosis 17; CHMP2B-Related Frontotemporal Dementia-Amyotrophic Lateral Sclerosis. Identifiers: Orphanet 275864, Orphanet 282, Orphanet 803, MedGen C1833296, MONDO:0010936, OMIM 600795.

Submission:

Labcorp Genetics (formerly Invitae), Labcorp
Classification: Uncertain significance for Frontotemporal dementia and/or amyotrophic lateral sclerosis 7. Last evaluated: 2023-05-22. Review status: criteria provided, single submitter. Criteria: Invitae Variant Classification Sherloc (09022015). Collection method: clinical testing. Allele origin: germline.
Comment: In summary, the available evidence is currently insufficient to determine the role of this variant in disease. Therefore, it has been classified as a Variant of Uncertain Significance. This sequence change falls in intron 1 of the CHMP2B gene. It does not directly change the encoded amino acid sequence of the CHMP2B protein. It affects a nucleotide within the consensus splice site. This variant is not present in population databases (gnomAD no frequency). This variant has not been reported in the literature in individuals affected with CHMP2B-related conditions. Variants that disrupt the consensus splice site are a relatively common cause of aberrant splicing (PMID: 17576681, 9536098). Algorithms developed to predict the effect of sequence changes on RNA splicing suggest that this variant may create or strengthen a splice site.

Literature cited by the submitters: PubMed 17576681; PubMed 9536098.